The following is an entry in ClinVar:

NM_207122.2(EXT2):c.1908del (p.Asn637fs)

Gene: EXT2 (exostosin glycosyltransferase 2; plus strand). Cytogenetic location: 11p11.2.
Variant type: Deletion.
Coding change: c.1908del on transcript NM_207122.2 (MANE Select); coding-DNA position 1908, one base deleted (C; older notation c.1908delC).
Protein change: p.Asn637fs; shifts the reading frame from asparagine 637.
Molecular consequence: frameshift variant.
Genome position (GRCh38, 1-based): chr11:44,234,216, C deleted; the last of 2 consecutive C bases (chr11:44,234,215-44,234,216); deleting either gives the same sequence. VCF-style (leftmost placement, unchanged base first): chr11-44234214-GC-G. GRCh37 (hg19) VCF-style: chr11-44255764-GC-G.
Other names: c.2007del, p.Asn670fs (NM_000401.3); c.1938del, p.Asn647fs (NM_001178083.3); c.1908del, p.Asn637fs (NM_001389628.1, NM_001389630.1); short protein forms N647fs, N637fs, N670fs.
Identifiers: ClinVar variation 4733861 (VCV004733861.1).

ClinVar aggregate classification (germline): Pathogenic (1 of 4 stars; one submission).

Conditions:
Exostoses, multiple, type 2 (EXT2). Also called: Hereditary Multiple Osteochondromatosis, Type II; EXOSTOSES, MULTIPLE, TYPE II. Identifiers: Orphanet 321, MedGen C1851413, MONDO:0007586, OMIM 133701.

Submission:

Labcorp Genetics (formerly Invitae), Labcorp
Classification: Pathogenic for Exostoses, multiple, type 2. Last evaluated: 2025-12-22. Review status: criteria provided, single submitter. Criteria: Invitae Variant Classification Sherloc (09022015). Collection method: clinical testing. Allele origin: germline.
Comment: This sequence change creates a premature translational stop signal (p.Asn637Thrfs*10) in the EXT2 gene. It is expected to result in an absent or disrupted protein product. Loss-of-function variants in EXT2 are known to be pathogenic (PMID: 10679937, 19810120). This variant is not present in population databases (gnomAD no frequency). This variant has not been reported in the literature in individuals affected with EXT2-related conditions. For these reasons, this variant has been classified as Pathogenic.

Literature cited by the submitters: PubMed 10679937; PubMed 19810120.